The following is an entry in ClinVar:

ClinVar aggregate classification (germline): Uncertain significance (1 of 4 stars; one submission).

gnomAD v4.1: 1 of 1,613,972 alleles (0.000062%); highest among the groups gnomAD compares: Non-Finnish European, 0.000085%; no homozygotes.

Submission:

Labcorp Genetics (formerly Invitae), Labcorp
Classification: Uncertain significance. Last evaluated: 2025-11-28. Review status: criteria provided, single submitter. Criteria: Invitae Variant Classification Sherloc (09022015). Collection method: clinical testing. Allele origin: germline.
Comment: This sequence change replaces lysine, which is basic and polar, with asparagine, which is neutral and polar, at codon 322 of the KAT6A protein (p.Lys322Asn). This variant is not present in population databases (gnomAD no frequency). This variant has not been reported in the literature in individuals affected with KAT6A-related conditions. Invitae Evidence Modeling of protein sequence and biophysical properties (such as structural, functional, and spatial information, amino acid conservation, physicochemical variation, residue mobility, and thermodynamic stability) indicates that this missense variant is not expected to disrupt KAT6A protein function with a negative predictive value of 95%. In summary, the available evidence is currently insufficient to determine the role of this variant in disease. Therefore, it has been classified as a Variant of Uncertain Significance.

NM_006766.5(KAT6A):c.966G>C (p.Lys322Asn)

Gene: KAT6A (lysine acetyltransferase 6A; minus strand). Cytogenetic location: 8p11.21.
Variant type: single nucleotide variant.
Coding change: c.966G>C on transcript NM_006766.5 (MANE Select); coding-DNA position 966, G replaced by C.
Protein change: p.Lys322Asn; replaces lysine 322 with asparagine.
Molecular consequence: missense variant.
Genome position (GRCh38, 1-based): chr8:41,978,719, C>G on the plus strand (G>C on the coding strand, the complement: KAT6A is on the minus strand). VCF-style: chr8-41978719-C-G. GRCh37 (hg19) VCF-style: chr8-41836237-C-G.
Other names: c.966G>C, p.Lys322Asn (NM_001305878.2); short protein forms K322N.
Identifiers: ClinVar variation 4765076 (VCV004765076.1).
Genomic context (GRCh38, chr8:41,978,719, plus strand): 5'-TAACCTGTTTTTTGGACGTCCTATTGGATTAGTATAGCGCCGTTTTATCTGTGCTGCCTT[C>G]TTTTGTAGAAGTTTTCGTCCTTTTTTCCTAGGTCGACATATTTGACATATCCACATGCCT-3'
Protein context (NP_006757.2, residues 312-332): PRKKGRKLLQ[Lys322Asn]KAAQIKRRYT